The following is an entry in ClinVar:

ClinVar aggregate classification (germline): Uncertain significance (1 of 4 stars; one submission).

Submission:

GeneDx
Classification: Uncertain significance. Last evaluated: 2024-12-02. Review status: criteria provided, single submitter. Criteria: GeneDx Variant Classification Process June 2021. Collection method: clinical testing. Allele origin: germline.
Comment: Not observed at significant frequency in large population cohorts (gnomAD); In silico analysis suggests this variant may impact gene splicing. In the absence of RNA/functional studies, the actual effect of this sequence change is unknown.; Has not been previously published as pathogenic or benign to our knowledge

NM_001174147.2(LMX1B):c.560-9C>G

Gene: LMX1B (LIM homeobox transcription factor 1 beta; plus strand). Cytogenetic location: 9q33.3.
Variant type: single nucleotide variant.
Coding change: c.560-9C>G on transcript NM_001174147.2 (MANE Select); 9 bases into the intron before coding-DNA position 560, C replaced by G.
Molecular consequence: intron variant.
Genome position (GRCh38, 1-based): chr9:126,693,133, C>G. VCF-style: chr9-126693133-C-G. GRCh37 (hg19) VCF-style: chr9-129455412-C-G.
Other names: c.560-9C>G (NM_001174146.2, NM_002316.4).
Identifiers: ClinVar variation 3360997 (VCV003360997.2).